The following is an entry in ClinVar:

NM_006767.4(LZTR1):c.1354_1355insG (p.Lys452fs)

Gene: LZTR1 (leucine zipper like post translational regulator 1; plus strand). Cytogenetic location: 22q11.21.
Variant type: Insertion.
Coding change: c.1354_1355insG on transcript NM_006767.4 (MANE Select); coding-DNA positions 1354 to 1355, G inserted.
Protein change: p.Lys452fs; shifts the reading frame from lysine 452.
Molecular consequence: frameshift variant.
Genome position: GRCh38 VCF-style: chr22-20993924-A-AG. GRCh37 (hg19) VCF-style: chr22-21348213-A-AG.
Other names: short protein forms K452fs.
Identifiers: ClinVar variation 3869268 (VCV003869268.1).

ClinVar aggregate classification (germline): Pathogenic (1 of 4 stars; one submission).

Conditions:
Hereditary cancer-predisposing syndrome. Also called: Hereditary neoplastic syndrome; Neoplastic Syndromes, Hereditary; Tumor predisposition; Hereditary Cancer Syndrome. Identifiers: Orphanet 140162, MedGen C0027672, MeSH D009386, MONDO:0015356.
Cardiovascular phenotype. Identifiers: MedGen CN230736.

Submission:

Ambry Genetics
Classification: Pathogenic for Cardiovascular phenotype; Hereditary cancer-predisposing syndrome. Last evaluated: 2025-01-07. Review status: criteria provided, single submitter. Criteria: Ambry Variant Classification Scheme 2023. Collection method: clinical testing. Allele origin: germline.
Comment: The c.1354_1355insG pathogenic mutation, located in coding exon 13 of the LZTR1 gene, results from an insertion of one nucleotide at position 1354, causing a translational frameshift with a predicted alternate stop codon (p.K452Rfs*217). This alteration is expected to result in loss of function by premature protein truncation or nonsense-mediated mRNA decay. Loss-of-function variants in LZTR1 are related to an increased risk for schwannomas and autosomal recessive Noonan syndrome; however, such associations with autosomal dominant Noonan syndrome have not been observed (Piotrowski A et al. Nat Genet. 2014 Feb;46:182-7; Yamamoto GL et al. J Med Genet. 2015 Jun;52:413-21; Johnston JJ et al. Genet Med. 2018 10;20:1175-1185). Based on the supporting evidence, this variant is pathogenic for an increased risk of LZTR1-related schwannomatosis (SWN) and would be expected to cause autosomal recessive Noonan syndrome when present along with a second pathogenic or likely pathogenic variant on the other allele; however, the association of this alteration with autosomal dominant Noonan syndrome is unlikely.